The following is an entry in ClinVar:

ClinVar aggregate classification (germline): Uncertain significance (1 of 4 stars; one submission).

Conditions:
Tuberous sclerosis 2 (TSC2). Identifiers: Orphanet 805, MedGen C1860707, MONDO:0013199, OMIM 613254.

Submission:

Labcorp Genetics (formerly Invitae), Labcorp
Classification: Uncertain significance for Tuberous sclerosis 2. Last evaluated: 2025-08-18. Review status: criteria provided, single submitter. Criteria: Invitae Variant Classification Sherloc (09022015). Collection method: clinical testing. Allele origin: germline.
Comment: This sequence change creates a premature translational stop signal (p.Pro1771Leufs*3) in the TSC2 gene. While this is not anticipated to result in nonsense mediated decay, it is expected to disrupt the last 37 amino acid(s) of the TSC2 protein. This variant is not present in population databases (gnomAD no frequency). This variant has not been reported in the literature in individuals affected with TSC2-related conditions. Algorithms developed to predict the effect of sequence changes on RNA splicing suggest that this variant may create or strengthen a splice site. This variant disrupts a region of the TSC2 protein in which other variant(s) (p.His1773Pro) have been observed in individuals with TSC2-related conditions (PMID: 10732801). This suggests that this is a clinically significant region of the protein, and that variants that disrupt it are likely to be disease-causing. In summary, the available evidence is currently insufficient to determine the role of this variant in disease. Therefore, it has been classified as a Variant of Uncertain Significance.

Literature cited by the submitters: PubMed 10732801.

NM_000548.5(TSC2):c.5312_5313del (p.Pro1771fs)

Gene: TSC2 (TSC complex subunit 2; plus strand). Cytogenetic location: 16p13.3.
Variant type: Deletion.
Coding change: c.5312_5313del on transcript NM_000548.5 (MANE Select); coding-DNA positions 5312 to 5313, 2 bases deleted (CG; older notation c.5312_5313delCG).
Protein change: p.Pro1771fs; shifts the reading frame from proline 1771.
Molecular consequence: frameshift variant. On other transcripts: non-coding transcript variant (5).
Genome position (GRCh38, 1-based): chr16:2,088,498-2,088,499, CG deleted. VCF-style (leftmost placement, unchanged base first): chr16-2088497-CCG-C. GRCh37 (hg19) VCF-style: chr16-2138498-CCG-C.
Other names: c.5111_5112del, p.Pro1704fs (NM_001077183.3); c.5243_5244del, p.Pro1748fs (NM_001114382.3); c.5003_5004del, p.Pro1668fs (NM_001318827.2); c.4967_4968del, p.Pro1656fs (NM_001318829.2); c.4580_4581del, p.Pro1527fs (NM_001318831.2); c.5144_5145del, p.Pro1715fs (NM_001318832.2); c.5114_5115del, p.Pro1705fs (NM_001363528.2); c.5096_5097del, p.Pro1699fs (NM_001406675.1); and 27 more; short protein forms P1505fs, P1571fs, P1685fs, P1705fs, P1711fs, P1747fs, P1770fs, P1257fs.
Identifiers: ClinVar variation 4754527 (VCV004754527.1).